The following is an entry in ClinVar:

ClinVar aggregate classification (germline): Uncertain significance (1 of 4 stars; one submission).

Submission:

GeneDx
Classification: Uncertain significance. Last evaluated: 2024-07-30. Review status: criteria provided, single submitter. Criteria: GeneDx Variant Classification Process June 2021. Collection method: clinical testing. Allele origin: germline. Affected: yes.
Comment: Not observed at significant frequency in large population cohorts (gnomAD); In silico analysis indicates that this missense variant does not alter protein structure/function; Has not been previously published as pathogenic or benign to our knowledge

NM_001039.4(SCNN1G):c.1720G>A (p.Ala574Thr)

Gene: SCNN1G (sodium channel epithelial 1 subunit gamma; plus strand). Cytogenetic location: 16p12.2.
Variant type: single nucleotide variant.
Coding change: c.1720G>A on transcript NM_001039.4 (MANE Select); coding-DNA position 1720, G replaced by A.
Protein change: p.Ala574Thr; replaces alanine 574 with threonine.
Molecular consequence: missense variant.
Genome position (GRCh38, 1-based): chr16:23,215,239, G>A. VCF-style: chr16-23215239-G-A. GRCh37 (hg19) VCF-style: chr16-23226560-G-A.
Other names: short protein forms A574T.
Identifiers: ClinVar variation 3602452 (VCV003602452.1).